The following is an entry in ClinVar:

NM_015909.4(NBAS):c.4737C>A (p.Ser1579Arg)

Gene: NBAS (NBAS subunit of NRZ tethering complex; minus strand). Cytogenetic location: 2p24.3.
Variant type: single nucleotide variant.
Coding change: c.4737C>A on transcript NM_015909.4 (MANE Select); coding-DNA position 4737, C replaced by A.
Protein change: p.Ser1579Arg; replaces serine 1579 with arginine.
Molecular consequence: missense variant. On other transcripts: non-coding transcript variant (1).
Genome position (GRCh38, 1-based): chr2:15,308,276, G>T on the plus strand (C>A on the coding strand, the complement: NBAS is on the minus strand). VCF-style: chr2-15308276-G-T. GRCh37 (hg19) VCF-style: chr2-15448400-G-T.
Other names: short protein forms S1579R.
Identifiers: ClinVar variation 1687387 (VCV001687387.1), dbSNP rs2148158698, ClinGen allele CA345893260.

ClinVar aggregate classification (germline): Uncertain significance (1 of 4 stars; one submission).

Conditions:
Infantile liver failure syndrome 2 (ILFS2). Identifiers: MedGen C3809651, MONDO:0014659, OMIM 616483.

gnomAD v4.1: 2 of 1,614,206 alleles (0.00012%); highest among the groups gnomAD compares: Non-Finnish European, 0.00017%; no homozygotes.

Submission:

3billion
Classification: Uncertain significance for Infantile liver failure syndrome 2. Last evaluated: 2022-05-22. Review status: criteria provided, single submitter. Criteria: ACMG Guidelines, 2015. Collection method: clinical testing. Allele origin: germline. Affected: yes. Observed: 1 heterozygote.
Comment: The variant is not observed in the gnomAD v2.1.1 dataset. In silico tool predictions suggest no damaging effect of the variant on gene or gene product (REVEL: 0.36; 3Cnet: 0.16). Therefore, this variant is classified as uncertain significanceaccording to the recommendation of ACMG/AMP guideline.